The following is an entry in ClinVar:

NM_001999.4(FBN2):c.2921G>T (p.Ser974Ile)

Gene: FBN2 (fibrillin 2; minus strand). Cytogenetic location: 5q23.3.
Variant type: single nucleotide variant.
Coding change: c.2921G>T on transcript NM_001999.4 (MANE Select); coding-DNA position 2921, G replaced by T.
Protein change: p.Ser974Ile; replaces serine 974 with isoleucine.
Molecular consequence: missense variant.
Genome position (GRCh38, 1-based): chr5:128,349,415, C>A on the plus strand (G>T on the coding strand, the complement: FBN2 is on the minus strand). VCF-style: chr5-128349415-C-A. GRCh37 (hg19) VCF-style: chr5-127685107-C-A.
Other names: short protein forms S974I.
Identifiers: ClinVar variation 4737782 (VCV004737782.1).

ClinVar aggregate classification (germline): Uncertain significance (1 of 4 stars; one submission).

Conditions:
Congenital contractural arachnodactyly (CCA). Also called: Beals-Hecht syndrome; BEALS SYNDROME; Arthrogryposis, distal, type 9. Identifiers: Orphanet 115, MedGen C0220668, MONDO:0007363, OMIM 121050.

Submission:

Labcorp Genetics (formerly Invitae), Labcorp
Classification: Uncertain significance for Congenital contractural arachnodactyly. Last evaluated: 2025-10-26. Review status: criteria provided, single submitter. Criteria: Invitae Variant Classification Sherloc (09022015). Collection method: clinical testing. Allele origin: germline.
Comment: This sequence change replaces serine, which is neutral and polar, with isoleucine, which is neutral and non-polar, at codon 974 of the FBN2 protein (p.Ser974Ile). This variant is not present in population databases (gnomAD no frequency). This variant has not been reported in the literature in individuals affected with FBN2-related conditions. Invitae Evidence Modeling of protein sequence and biophysical properties (such as structural, functional, and spatial information, amino acid conservation, physicochemical variation, residue mobility, and thermodynamic stability) indicates that this missense variant is not expected to disrupt FBN2 protein function with a negative predictive value of 80%. In summary, the available evidence is currently insufficient to determine the role of this variant in disease. Therefore, it has been classified as a Variant of Uncertain Significance.